The following is an entry in ClinVar:

NM_001367624.2(ZNF469):c.5280A>T (p.Glu1760Asp)

Gene: ZNF469 (zinc finger protein 469; plus strand). Cytogenetic location: 16q24.2.
Variant type: single nucleotide variant.
Coding change: c.5280A>T on transcript NM_001367624.2 (MANE Select); coding-DNA position 5280, A replaced by T.
Protein change: p.Glu1760Asp; replaces glutamic acid 1760 with aspartic acid.
Molecular consequence: missense variant.
Genome position (GRCh38, 1-based): chr16:88,432,750, A>T. VCF-style: chr16-88432750-A-T. GRCh37 (hg19) VCF-style: chr16-88499158-A-T.
Other names: NM_001127464.1:c.5196A>T; short protein forms E1760D.
Identifiers: ClinVar variation 1919762 (VCV001919762.7), dbSNP rs1485087424, ClinGen allele CA397096538.

ClinVar aggregate classification (germline): Uncertain significance. Review status: criteria provided, multiple submitters, no conflicts (2 of 4 stars). 3 submissions from 3 submitters: Uncertain significance (3). Last evaluated 2026-08-22.

Conditions:
Cardiovascular phenotype. Identifiers: MedGen CN230736.

Allele frequency attached by ClinVar (database versions not stated): gnomAD 0.00001; gnomAD exomes 0.00002; TOPMed below 0.00001.
gnomAD v4.1: 28 of 1,550,258 alleles (0.0018%); highest among the groups gnomAD compares: Non-Finnish European, 0.0024%; no homozygotes.

Submissions (3):

Ambry Genetics
Classification: Uncertain significance for Cardiovascular phenotype. Last evaluated: 2026-08-22. Review status: criteria provided, single submitter. Criteria: Ambry Variant Classification Scheme 2023. Collection method: clinical testing. Allele origin: germline.
Comment: The p.E1732D variant (also known as c.5196A>T), located in coding exon 2 of the ZNF469 gene, results from an A to T substitution at nucleotide position 5196. The glutamic acid at codon 1732 is replaced by aspartic acid, an amino acid with highly similar properties. This amino acid position is conserved. In addition, this alteration is predicted to be tolerated by in silico analysis. Based on the available evidence, the clinical significance of this variant remains unclear.

Women's Health and Genetics/Laboratory Corporation of America, LabCorp
Classification: Uncertain significance. Last evaluated: 2026-05-07. Review status: criteria provided, single submitter. Criteria: LabCorp Variant Classification Summary - May 2015. Collection method: clinical testing. Allele origin: germline.
Comment: Variant summary: ZNF469 c.5280A>T (p.Glu1760Asp) results in a conservative amino acid change in the encoded protein sequence. Algorithms developed to predict the effect of missense changes on protein structure and function are either unavailable or do not agree on the potential impact of this missense change. The variant allele was found at a frequency of 1.3e-05 in 152560 control chromosomes. The available data on variant occurrences in the general population are insufficient to allow any conclusion about variant significance. To our knowledge, no occurrence of c.5280A>T in individuals affected with ZNF469-related conditions and no experimental evidence demonstrating its impact on protein function have been reported. ClinVar contains an entry for this variant (Variation ID: 1919762). Based on the evidence outlined above, the variant was classified as uncertain significance.

Labcorp Genetics (formerly Invitae), Labcorp
Classification: Uncertain significance. Last evaluated: 2025-11-15. Review status: criteria provided, single submitter. Criteria: Invitae Variant Classification Sherloc (09022015). Collection method: clinical testing. Allele origin: germline.
Comment: This sequence change replaces glutamic acid, which is acidic and polar, with aspartic acid, which is acidic and polar, at codon 1732 of the ZNF469 protein (p.Glu1732Asp). This variant is present in population databases (no rsID available, gnomAD 0.004%). This variant has not been reported in the literature in individuals affected with ZNF469-related conditions. ClinVar contains an entry for this variant (Variation ID: 1919762). An algorithm developed to predict the effect of missense changes on protein structure and function (PolyPhen-2) suggests that this variant is likely to be tolerated. In summary, the available evidence is currently insufficient to determine the role of this variant in disease. Therefore, it has been classified as a Variant of Uncertain Significance.